The following is an entry in ClinVar:

ClinVar aggregate classification (germline): Uncertain significance. Review status: criteria provided, single submitter (1 of 4 stars). 2 submissions from 2 submitters: Uncertain significance (1). 1 of the submissions does not count toward it. Last evaluated 2022-12-27.

Conditions:
Hereditary cancer-predisposing syndrome. Also called: Neoplastic Syndromes, Hereditary; Tumor predisposition; Hereditary neoplastic syndrome; Hereditary Cancer Syndrome. Identifiers: Orphanet 140162, MedGen C0027672, MeSH D009386, MONDO:0015356.
Bloom syndrome (BLM). Also called: Bloom-Torre-Machacek syndrome. Identifiers: Orphanet 125, MedGen C0005859, MONDO:0008876, OMIM 210900.

Submissions (2):

Ambry Genetics
Classification: Uncertain significance for Hereditary cancer-predisposing syndrome. Last evaluated: 2022-12-27. Review status: criteria provided, single submitter. Criteria: Ambry Variant Classification Scheme 2023. Collection method: clinical testing. Allele origin: germline.
Comment: The p.S310F variant (also known as c.929C>T), located in coding exon 3 of the BLM gene, results from a C to T substitution at nucleotide position 929. The serine at codon 310 is replaced by phenylalanine, an amino acid with highly dissimilar properties. This amino acid position is conserved. In addition, this alteration is predicted to be tolerated by in silico analysis. Since supporting evidence is limited at this time, the clinical significance of this alteration remains unclear.

Natera, Inc.
Classification: Uncertain significance for Bloom syndrome. Last evaluated: 2025-03-05. Review status: no assertion criteria provided. Collection method: clinical testing. Allele origin: germline. Not counted in ClinVar's aggregate classification.

NM_000057.4(BLM):c.929C>T (p.Ser310Phe)

Gene: BLM (BLM RecQ like helicase; plus strand). Cytogenetic location: 15q26.1.
Variant type: single nucleotide variant.
Coding change: c.929C>T on transcript NM_000057.4 (MANE Select); coding-DNA position 929, C replaced by T.
Protein change: p.Ser310Phe; replaces serine 310 with phenylalanine.
Molecular consequence: missense variant. On other transcripts: 5 prime UTR variant (1).
Genome position (GRCh38, 1-based): chr15:90,751,916, C>T. VCF-style: chr15-90751916-C-T. GRCh37 (hg19) VCF-style: chr15-91295146-C-T.
Other names: c.929C>T, p.Ser310Phe (NM_001287246.2, NM_001287247.2); c.-363C>T (NM_001287248.2); c.929C>T (NM_000057.3); short protein forms S310F.
Identifiers: ClinVar variation 3224954 (VCV003224954.2), dbSNP rs2505400396, ClinGen allele CA393841906.